The following is an entry in ClinVar:

NM_000153.4(GALC):c.254A>C (p.Tyr85Ser)

Gene: GALC (galactosylceramidase; minus strand). Cytogenetic location: 14q31.3.
Variant type: single nucleotide variant.
Coding change: c.254A>C on transcript NM_000153.4 (MANE Select); coding-DNA position 254, A replaced by C.
Protein change: p.Tyr85Ser; replaces tyrosine 85 with serine.
Molecular consequence: missense variant. On other transcripts: intron variant (1).
Genome position (GRCh38, 1-based): chr14:87,988,465, T>G on the plus strand (A>C on the coding strand, the complement: GALC is on the minus strand). VCF-style: chr14-87988465-T-G. GRCh37 (hg19) VCF-style: chr14-88454809-T-G.
Other names: c.176A>C, p.Tyr59Ser (NM_001201402.2); c.196-258A>C (NM_001201401.2); short protein forms Y59S, Y85S.
Identifiers: ClinVar variation 2129915 (VCV002129915.4), dbSNP rs2503528067, ClinGen allele CA390753337.
Genomic context (GRCh38, chr14:87,988,465, plus strand): 5'-CCAATTTCTAAAATATCACAGGTACCATGAAATAATTATGTTTTCATTACCTTAAAGAGA[T>G]AATCCAATATCTGAGAACGATAGGGCTCTGGGTAATTTACTAGAAGTCGGGAGGTTGCCT-3'
Protein context (NP_000144.2, residues 75-95): PEPYRSQILD[Tyr85Ser]LFKPNFGASL

ClinVar aggregate classification (germline): Uncertain significance (1 of 4 stars; one submission).

Conditions:
Galactosylceramide beta-galactosidase deficiency. Also called: Leukodystrophy, Globoid Cell; Krabbe Disease; GALACTOCEREBROSIDASE DEFICIENCY; GALC DEFICIENCY; GLOBOID CELL LEUKOENCEPHALOPATHY. Identifiers: Orphanet 487, MedGen C0023521, MONDO:0009499, OMIM 245200.

Submission:

Labcorp Genetics (formerly Invitae), Labcorp
Classification: Uncertain significance for Galactosylceramide beta-galactosidase deficiency. Last evaluated: 2022-04-24. Review status: criteria provided, single submitter. Criteria: Invitae Variant Classification Sherloc (09022015). Collection method: clinical testing. Allele origin: germline.
Comment: This sequence change replaces tyrosine, which is neutral and polar, with serine, which is neutral and polar, at codon 85 of the GALC protein (p.Tyr85Ser). In summary, the available evidence is currently insufficient to determine the role of this variant in disease. Therefore, it has been classified as a Variant of Uncertain Significance. Advanced modeling of protein sequence and biophysical properties (such as structural, functional, and spatial information, amino acid conservation, physicochemical variation, residue mobility, and thermodynamic stability) performed at Invitae indicates that this missense variant is expected to disrupt GALC protein function. This variant has not been reported in the literature in individuals affected with GALC-related conditions. This variant is not present in population databases (gnomAD no frequency).